The following is an entry in ClinVar:

NM_001080414.4(CCDC88C):c.5161G>A (p.Gly1721Arg)

Gene: CCDC88C (coiled-coil and HOOK domain protein 88C; minus strand). Cytogenetic location: 14q32.11.
Variant type: single nucleotide variant.
Coding change: c.5161G>A on transcript NM_001080414.4 (MANE Select); coding-DNA position 5161, G replaced by A.
Protein change: p.Gly1721Arg; replaces glycine 1721 with arginine.
Molecular consequence: missense variant.
Genome position (GRCh38, 1-based): chr14:91,273,551, C>T on the plus strand (G>A on the coding strand, the complement: CCDC88C is on the minus strand). VCF-style: chr14-91273551-C-T. GRCh37 (hg19) VCF-style: chr14-91739895-C-T.
Other names: p.Gly1721Arg; c.5161G>A (NM_001080414.3); short protein forms G1721R.
Identifiers: ClinVar variation 2067617 (VCV002067617.8), dbSNP rs183319966, ClinGen allele CA7308720.

ClinVar aggregate classification (germline): Conflicting classifications of pathogenicity. Review status: criteria provided, conflicting classifications (1 of 4 stars). 5 submissions from 5 submitters: Uncertain significance (1); Likely benign (4). Last evaluated 2025-12-30.

Conditions:
Inborn genetic diseases. Identifiers: MedGen C0950123, MeSH D030342.
CCDC88C-related disorder. Also called: CCDC88C-Related Disorders; CCDC88C-related condition.

Allele frequency attached by ClinVar (database versions not stated): gnomAD exomes 0.00008; ExAC 0.00016; ESP Exome Variant Server 0.00041; gnomAD 0.00053; TOPMed 0.00056; 1000 Genomes Project 0.00100; 1000 Genomes Project 30x 0.00109.
gnomAD v4.1: 193 of 1,508,838 alleles (0.013%); highest among the groups gnomAD compares: African/African-American, 0.19%; no homozygotes.

Submissions (5):

Labcorp Genetics (formerly Invitae), Labcorp
Classification: Likely benign. Last evaluated: 2025-12-30. Review status: criteria provided, single submitter. Criteria: Invitae Variant Classification Sherloc (09022015). Collection method: clinical testing. Allele origin: germline.

PreventionGenetics, part of Exact Sciences
Classification: Likely benign for CCDC88C-related condition. Last evaluated: 2025-11-12. Review status: criteria provided, single submitter. Criteria: ACMG Guidelines, 2015. Collection method: clinical testing. Allele origin: germline.
Comment: This variant is classified as likely benign based on ACMG/AMP sequence variant interpretation guidelines (Richards et al. 2015 PMID: 25741868, with internal and published modifications).

Mayo Clinic Laboratories, Mayo Clinic
Classification: Likely benign. Last evaluated: 2025-05-05. Review status: criteria provided, single submitter. Criteria: ACMG Guidelines, 2015. Collection method: clinical testing. Allele origin: germline. Observed: 2 variant alleles.
Comment: BS1, BP4_moderate

Ambry Genetics
Classification: Likely benign for Inborn genetic diseases. Last evaluated: 2024-11-11. Review status: criteria provided, single submitter. Criteria: Ambry Variant Classification Scheme 2023. Collection method: clinical testing. Allele origin: germline.

GeneDx
Classification: Uncertain significance. Last evaluated: 2023-02-24. Review status: criteria provided, single submitter. Criteria: GeneDx Variant Classification Process June 2021. Collection method: clinical testing. Allele origin: germline. Affected: yes.
Comment: In silico analysis supports that this missense variant has a deleterious effect on protein structure/function; Has not been previously published as pathogenic or benign to our knowledge